The following is an entry in ClinVar:

ClinVar aggregate classification (germline): Likely benign (1 of 4 stars; one submission).

Allele frequency attached by ClinVar (database versions not stated): gnomAD exomes below 0.00001; TOPMed below 0.00001; gnomAD 0.00001.
gnomAD v4.1: 2 of 1,607,098 alleles (0.00012%); highest among the groups gnomAD compares: Non-Finnish European, 0.00017%; no homozygotes.

Submission:

CeGaT Center for Human Genetics Tuebingen
Classification: Likely benign. Last evaluated: 2022-08-01. Review status: criteria provided, single submitter. Criteria: CeGaT Center For Human Genetics Tuebingen Variant Classification Criteria Version 2. Collection method: clinical testing. Allele origin: germline. Affected: yes. Observed: 1 variant allele.
Comment: NCKAP1: BP4, BP7

NM_013436.5(NCKAP1):c.3162T>C (p.Arg1054=)

Gene: NCKAP1 (NCK associated protein 1; minus strand). Cytogenetic location: 2q32.1.
Variant type: single nucleotide variant.
Coding change: c.3162T>C on transcript NM_013436.5 (MANE Select); coding-DNA position 3162, T replaced by C.
Protein change: p.Arg1054=; no amino-acid change (arginine 1054 retained).
Molecular consequence: synonymous variant.
Genome position (GRCh38, 1-based): chr2:182,928,135, A>G on the plus strand (T>C on the coding strand, the complement: NCKAP1 is on the minus strand). VCF-style: chr2-182928135-A-G. GRCh37 (hg19) VCF-style: chr2-183792863-A-G.
Other names: c.3180T>C, p.Arg1060= (NM_205842.3).
Identifiers: ClinVar variation 2651737 (VCV002651737.24), dbSNP rs1233796354, ClinGen allele CA430423932.